The following is an entry in ClinVar:

ClinVar aggregate classification (germline): Pathogenic (1 of 4 stars; one submission).

Allele frequency attached by ClinVar (database versions not stated): gnomAD exomes below 0.00001; TOPMed below 0.00001.
gnomAD v4.1: 1 of 1,613,884 alleles (0.000062%); highest among the groups gnomAD compares: Admixed American, 0.0017%; no homozygotes.

Submission:

Labcorp Genetics (formerly Invitae), Labcorp
Classification: Pathogenic. Last evaluated: 2022-08-05. Review status: criteria provided, single submitter. Criteria: Invitae Variant Classification Sherloc (09022015). Collection method: clinical testing. Allele origin: germline.
Comment: For these reasons, this variant has been classified as Pathogenic. This variant has not been reported in the literature in individuals affected with MYO18B-related conditions. This variant is not present in population databases (gnomAD no frequency). This sequence change creates a premature translational stop signal (p.Gln1573*) in the MYO18B gene. It is expected to result in an absent or disrupted protein product. Loss-of-function variants in MYO18B are known to be pathogenic (PMID: 25748484, 32184166, 32637634).

Literature cited by the submitters: PubMed 25748484; PubMed 32184166; PubMed 32637634.

NM_032608.7(MYO18B):c.4717C>T (p.Gln1573Ter)

Genes: MYO18B (myosin XVIIIB; plus strand), MYO18B-AS1 (MYO18B antisense RNA 1; minus strand). Cytogenetic location: 22q12.1.
Variant type: single nucleotide variant.
Coding change: c.4717C>T on transcript NM_032608.7 (MANE Select); coding-DNA position 4717, C replaced by T.
Protein change: p.Gln1573Ter; replaces glutamine 1573 with a stop codon.
Molecular consequence: nonsense.
Genome position (GRCh38, 1-based): chr22:25,898,355, C>T. VCF-style: chr22-25898355-C-T. GRCh37 (hg19) VCF-style: chr22-26294322-C-T.
Other names: c.4720C>T, p.Gln1574Ter (NM_001318245.2); short protein forms Q1574*, Q1573*.
Identifiers: ClinVar variation 2022086 (VCV002022086.4), dbSNP rs1047596402, ClinGen allele CA322818965.